The following is an entry in ClinVar:

ClinVar aggregate classification (germline): Likely benign. Review status: criteria provided, multiple submitters, no conflicts (2 of 4 stars). 2 submissions from 2 submitters: Likely benign (2). Last evaluated 2024-12-01.

Submissions (2):

CeGaT Center for Human Genetics Tuebingen
Classification: Likely benign. Last evaluated: 2024-12-01. Review status: criteria provided, single submitter. Criteria: CeGaT Center For Human Genetics Tuebingen Variant Classification Criteria Version 2. Collection method: clinical testing. Allele origin: germline. Affected: yes. Observed: 2 variant alleles.
Comment: STT3A: BP4, BP7

Labcorp Genetics (formerly Invitae), Labcorp
Classification: Likely benign. Last evaluated: 2019-12-31. Review status: criteria provided, single submitter. Criteria: Invitae Variant Classification Sherloc (09022015). Collection method: clinical testing. Allele origin: germline.

NM_152713.5(STT3A):c.1950T>G (p.Val650=)

Gene: STT3A (STT3 oligosaccharyltransferase complex catalytic subunit A; plus strand). Cytogenetic location: 11q24.2.
Variant type: single nucleotide variant.
Coding change: c.1950T>G on transcript NM_152713.5 (MANE Select); coding-DNA position 1950, T replaced by G.
Protein change: p.Val650=; no amino-acid change (valine 650 retained).
Molecular consequence: synonymous variant.
Genome position (GRCh38, 1-based): chr11:125,618,548, T>G. VCF-style: chr11-125618548-T-G. GRCh37 (hg19) VCF-style: chr11-125488443-T-G.
Other names: c.1950T>G, p.Val650= (NM_001278503.2); c.1674T>G, p.Val558= (NM_001278504.2).
Identifiers: ClinVar variation 727751 (VCV000727751.28), dbSNP rs1591382087, ClinGen allele CA477482319.